The following is an entry in ClinVar:

NM_004208.4(AIFM1):c.696+3G>A

Genes: AIFM1 (apoptosis inducing factor mitochondria associated 1; minus strand), RAB33A (RAB33A, member RAS oncogene family; plus strand). Cytogenetic location: Xq26.1.
Variant type: single nucleotide variant.
Coding change: c.696+3G>A on transcript NM_004208.4 (MANE Select); 3 bases into the intron after coding-DNA position 696, G replaced by A.
Molecular consequence: intron variant.
Genome position (GRCh38, 1-based): chrX:130,145,476, C>T on the plus strand (G>A on the coding strand, the complement: AIFM1 is on the minus strand). VCF-style: chrX-130145476-C-T. GRCh37 (hg19) VCF-style: chrX-129279451-C-T.
Other names: c.684+3G>A (NM_145812.3); c.696+3G>A (NM_001130847.4).
Identifiers: ClinVar variation 1511986 (VCV001511986.6), dbSNP rs2030719224, ClinGen allele CA2458297087.

ClinVar aggregate classification (germline): Uncertain significance (1 of 4 stars; one submission).

Conditions:
Combined oxidative phosphorylation deficiency. Identifiers: MedGen C4540031, MONDO:0000732.
Charcot-Marie-Tooth Neuropathy X. Identifiers: MedGen CN118851.

Allele frequency attached by ClinVar (database versions not stated): gnomAD exomes 0.00001.
gnomAD v4.1: 10 of 1,202,426 alleles (0.00083%); highest among the groups gnomAD compares: East Asian, 0.03%; no homozygotes.

Submission:

Labcorp Genetics (formerly Invitae), Labcorp
Classification: Uncertain significance for Charcot-Marie-Tooth Neuropathy X; Combined oxidative phosphorylation deficiency. Last evaluated: 2021-06-21. Review status: criteria provided, single submitter. Criteria: Invitae Variant Classification Sherloc (09022015). Collection method: clinical testing. Allele origin: germline.
Comment: This sequence change falls in intron 6 of the AIFM1 gene. It does not directly change the encoded amino acid sequence of the AIFM1 protein. It affects a nucleotide within the consensus splice site of the intron. This variant is not present in population databases (ExAC no frequency). This variant has not been reported in the literature in individuals with AIFM1-related conditions. Nucleotide substitutions within the consensus splice site are a relatively common cause of aberrant splicing (PMID: 17576681, 9536098). Algorithms developed to predict the effect of sequence changes on RNA splicing suggest that this variant is not likely to affect RNA splicing, but this prediction has not been confirmed by published transcriptional studies. In summary, the available evidence is currently insufficient to determine the role of this variant in disease. Therefore, it has been classified as a Variant of Uncertain Significance.

Literature cited by the submitters: PubMed 17576681; PubMed 9536098.